The following is an entry in ClinVar:

NM_005956.4(MTHFD1):c.186+6G>T

Gene: MTHFD1 (methylenetetrahydrofolate dehydrogenase, cyclohydrolase and formyltetrahydrofolate synthetase 1; plus strand). Cytogenetic location: 14q23.3.
Variant type: single nucleotide variant.
Coding change: c.186+6G>T on transcript NM_005956.4 (MANE Select); 6 bases into the intron after coding-DNA position 186, G replaced by T.
Molecular consequence: intron variant.
Genome position (GRCh38, 1-based): chr14:64,411,155, G>T. VCF-style: chr14-64411155-G-T. GRCh37 (hg19) VCF-style: chr14-64877873-G-T.
Other names: c.186+6G>T (NM_001364837.1).
Identifiers: ClinVar variation 1911457 (VCV001911457.2), dbSNP rs750839500, ClinGen allele CA7225855.

ClinVar aggregate classification (germline): Uncertain significance (1 of 4 stars; one submission).

gnomAD v4.1: 20 of 1,610,326 alleles (0.0012%); highest among the groups gnomAD compares: South Asian, 0.013%; no homozygotes.

Submission:

Labcorp Genetics (formerly Invitae), Labcorp
Classification: Uncertain significance. Last evaluated: 2022-07-21. Review status: criteria provided, single submitter. Criteria: Invitae Variant Classification Sherloc (09022015). Collection method: clinical testing. Allele origin: germline.
Comment: This sequence change falls in intron 3 of the MTHFD1 gene. It does not directly change the encoded amino acid sequence of the MTHFD1 protein. It affects a nucleotide within the consensus splice site. This variant is present in population databases (rs750839500, gnomAD 0.02%). This variant has not been reported in the literature in individuals affected with MTHFD1-related conditions. Variants that disrupt the consensus splice site are a relatively common cause of aberrant splicing (PMID: 17576681, 9536098). Algorithms developed to predict the effect of sequence changes on RNA splicing suggest that this variant is not likely to affect RNA splicing. In summary, the available evidence is currently insufficient to determine the role of this variant in disease. Therefore, it has been classified as a Variant of Uncertain Significance.

Literature cited by the submitters: PubMed 17576681; PubMed 9536098.